The following is an entry in ClinVar:

NM_016035.5(COQ4):c.196C>G (p.Arg66Gly)

Gene: COQ4 (coenzyme Q4; plus strand). Cytogenetic location: 9q34.11.
Variant type: single nucleotide variant.
Coding change: c.196C>G on transcript NM_016035.5 (MANE Select); coding-DNA position 196, C replaced by G.
Protein change: p.Arg66Gly; replaces arginine 66 with glycine.
Molecular consequence: missense variant.
Genome position (GRCh38, 1-based): chr9:128,323,141, C>G. VCF-style: chr9-128323141-C-G. GRCh37 (hg19) VCF-style: chr9-131085420-C-G.
Other names: c.196C>G, p.Arg66Gly (NM_001305942.2); c.196C>G (NM_016035.3); short protein forms R66G.
Identifiers: ClinVar variation 1957307 (VCV001957307.3), dbSNP rs2539410766, ClinGen allele CA375017674.

ClinVar aggregate classification (germline): Uncertain significance. Review status: criteria provided, multiple submitters, no conflicts (2 of 4 stars). 2 submissions from 2 submitters: Uncertain significance (2). Last evaluated 2025-04-29.

Conditions:
Neonatal encephalomyopathy-cardiomyopathy-respiratory distress syndrome. Also called: Coenzyme Q10 deficiency, primary, 7. Identifiers: Orphanet 457185, MedGen C5568562, MONDO:0014562, OMIM 616276.

Submissions (2):

GeneDx
Classification: Uncertain significance. Last evaluated: 2025-04-29. Review status: criteria provided, single submitter. Criteria: GeneDx Variant Classification Process June 2021. Collection method: clinical testing. Allele origin: germline. Affected: yes.
Comment: Not observed at significant frequency in large population cohorts (gnomAD); In silico analysis supports that this missense variant has a deleterious effect on protein structure/function; Has not been previously published as pathogenic or benign to our knowledge

Labcorp Genetics (formerly Invitae), Labcorp
Classification: Uncertain significance for Neonatal encephalomyopathy-cardiomyopathy-respiratory distress syndrome. Last evaluated: 2022-01-13. Review status: criteria provided, single submitter. Criteria: Invitae Variant Classification Sherloc (09022015). Collection method: clinical testing. Allele origin: germline.
Comment: This sequence change replaces arginine, which is basic and polar, with glycine, which is neutral and non-polar, at codon 66 of the COQ4 protein (p.Arg66Gly). This variant is not present in population databases (gnomAD no frequency). This variant has not been reported in the literature in individuals affected with COQ4-related conditions. Algorithms developed to predict the effect of missense changes on protein structure and function are either unavailable or do not agree on the potential impact of this missense change (SIFT: "Tolerated"; PolyPhen-2: "Probably Damaging"; Align-GVGD: "Class C0"). In summary, the available evidence is currently insufficient to determine the role of this variant in disease. Therefore, it has been classified as a Variant of Uncertain Significance.